The following is an entry in ClinVar:

ClinVar aggregate classification (germline): Uncertain significance (1 of 4 stars; one submission).

Submission:

Ambry Genetics
Classification: Uncertain significance. Last evaluated: 2025-12-13. Review status: criteria provided, single submitter. Criteria: Ambry Variant Classification Scheme 2023. Collection method: clinical testing. Allele origin: germline.
Comment: The p.R1167W variant (also known as c.3499A>T), located in coding exon 2 of the TET2 gene, results from an A to T substitution at nucleotide position 3499. The arginine at codon 1167 is replaced by tryptophan, an amino acid with dissimilar properties. This amino acid position is conserved. In addition, this alteration is predicted to be deleterious by in silico analysis. Based on the available evidence, the clinical significance of this variant remains unclear.

NM_001127208.3(TET2):c.3499A>T (p.Arg1167Trp)

Genes: TET2 (tet methylcytosine dioxygenase 2; plus strand), TET2-AS1 (TET2 antisense RNA 1; minus strand). Cytogenetic location: 4q24.
Variant type: single nucleotide variant.
Coding change: c.3499A>T on transcript NM_001127208.3 (MANE Select); coding-DNA position 3499, A replaced by T.
Protein change: p.Arg1167Trp; replaces arginine 1167 with tryptophan.
Molecular consequence: missense variant. On other transcripts: 3 prime UTR variant (1).
Genome position (GRCh38, 1-based): chr4:105,241,428, A>T. VCF-style: chr4-105241428-A-T. GRCh37 (hg19) VCF-style: chr4-106162585-A-T.
Other names: c.*3988A>T (NM_017628.4); short protein forms R1167W.
Identifiers: ClinVar variation 4594249 (VCV004594249.1).